The following is an entry in ClinVar:

ClinVar aggregate classification (germline): Uncertain significance (1 of 4 stars; one submission).

Allele frequency attached by ClinVar (database versions not stated): gnomAD exomes below 0.00001.
gnomAD v4.1: 3 of 1,613,608 alleles (0.00019%); highest among the groups gnomAD compares: Non-Finnish European, 0.00025%; no homozygotes.

Submission:

Labcorp Genetics (formerly Invitae), Labcorp
Classification: Uncertain significance. Last evaluated: 2022-06-02. Review status: criteria provided, single submitter. Criteria: Invitae Variant Classification Sherloc (09022015). Collection method: clinical testing. Allele origin: germline.
Comment: This sequence change replaces methionine, which is neutral and non-polar, with isoleucine, which is neutral and non-polar, at codon 255 of the ERCC3 protein (p.Met255Ile). This variant is not present in population databases (gnomAD no frequency). This variant has not been reported in the literature in individuals affected with ERCC3-related conditions. Algorithms developed to predict the effect of missense changes on protein structure and function (SIFT, PolyPhen-2, Align-GVGD) all suggest that this variant is likely to be tolerated. In summary, the available evidence is currently insufficient to determine the role of this variant in disease. Therefore, it has been classified as a Variant of Uncertain Significance.

NM_000122.2(ERCC3):c.765G>A (p.Met255Ile)

Gene: ERCC3 (ERCC excision repair 3, TFIIH core complex helicase subunit; minus strand). Cytogenetic location: 2q14.3.
Variant type: single nucleotide variant.
Coding change: c.765G>A on transcript NM_000122.2 (MANE Select); coding-DNA position 765, G replaced by A.
Protein change: p.Met255Ile; replaces methionine 255 with isoleucine.
Molecular consequence: missense variant.
Genome position (GRCh38, 1-based): chr2:127,289,394, C>T on the plus strand (G>A on the coding strand, the complement: ERCC3 is on the minus strand). VCF-style: chr2-127289394-C-T. GRCh37 (hg19) VCF-style: chr2-128046970-C-T.
Other names: c.573G>A, p.Met191Ile (NM_001303416.2, NM_001303418.2); short protein forms M191I, M255I.
Identifiers: ClinVar variation 1969260 (VCV001969260.2), dbSNP rs2468058697, ClinGen allele CA348390765.